The following is an entry in ClinVar:

ClinVar aggregate classification (germline): Pathogenic/Likely pathogenic. Review status: criteria provided, multiple submitters, no conflicts (2 of 4 stars). 2 submissions from 2 submitters: Pathogenic (1); Likely pathogenic (1). Last evaluated 2022-11-29.

Conditions:
Sialidosis. Identifiers: Orphanet 309294, MedGen C0268226, MONDO:0017734.

Allele frequency attached by ClinVar (database versions not stated): gnomAD exomes 0.00001; ExAC 0.00002.

Submissions (2):

Labcorp Genetics (formerly Invitae), Labcorp
Classification: Pathogenic. Last evaluated: 2022-11-29. Review status: criteria provided, single submitter. Criteria: Invitae Variant Classification Sherloc (09022015). Collection method: clinical testing. Allele origin: germline.
Comment: This sequence change creates a premature translational stop signal (p.Gln55*) in the NEU1 gene. It is expected to result in an absent or disrupted protein product. Loss-of-function variants in NEU1 are known to be pathogenic (PMID: 11063730, 14517945). This variant is present in population databases (rs768958770, gnomAD 0.003%). This premature translational stop signal has been observed in individual(s) with sialidosis (PMID: 18343720). For these reasons, this variant has been classified as Pathogenic.

Women's Health and Genetics/Laboratory Corporation of America, LabCorp
Classification: Likely pathogenic for Sialidosis. Last evaluated: 2022-11-02. Review status: criteria provided, single submitter. Criteria: LabCorp Variant Classification Summary - May 2015. Collection method: clinical testing. Allele origin: germline.
Comment: Variant summary: NEU1 c.163C>T (p.Gln55X) results in a premature termination codon, predicted to cause a truncation of the encoded protein or absence of the protein due to nonsense mediated decay, which are commonly known mechanisms for disease. Truncations downstream of this position have been classified as pathogenic by our laboratory. The variant allele was found at a frequency of 1.2e-05 in 246068 control chromosomes (gnomAD). c.163C>T has been reported in the literature in the compound heterozygous state in an individual affected with Sialidosis, type I (e.g. Huang_2008). To our knowledge, no experimental evidence demonstrating an impact on protein function has been reported. No clinical diagnostic laboratories have submitted clinical-significance assessments for this variant to ClinVar after 2014. Based on the evidence outlined above, the variant was classified as likely pathogenic.

Literature cited by the submitters: PubMed 11063730 (cited by Labcorp Genetics (formerly Invitae), Labcorp); PubMed 14517945 (cited by Labcorp Genetics (formerly Invitae), Labcorp); PubMed 18343720 (cited by Labcorp Genetics (formerly Invitae), Labcorp and Women's Health and Genetics/Laboratory Corporation of America, LabCorp).

NM_000434.4(NEU1):c.163C>T (p.Gln55Ter)

Gene: NEU1 (neuraminidase 1; minus strand). Cytogenetic location: 6p21.33.
Variant type: single nucleotide variant.
Coding change: c.163C>T on transcript NM_000434.4 (MANE Select); coding-DNA position 163, C replaced by T.
Protein change: p.Gln55Ter; replaces glutamine 55 with a stop codon.
Molecular consequence: nonsense.
Genome position (GRCh38, 1-based): chr6:31,862,188, G>A on the plus strand (C>T on the coding strand, the complement: NEU1 is on the minus strand). VCF-style: chr6-31862188-G-A. GRCh37 (hg19) VCF-style: chr6-31829965-G-A.
Other names: short protein forms Q55*.
Identifiers: ClinVar variation 1804680 (VCV001804680.4), dbSNP rs768958770, ClinGen allele CA3725081.
Genomic context (GRCh38, chr6:31,862,188, plus strand): 5'-CCACTGAGCCGATCTGTCTCCCGCTCACCCACAGCAGTTGCTCCATGGTCACCAGCGGCT[G>A]CACCTGTCATGGGAGGAGGAAGGGTCAACAAAGACAAACTTGTCTTGGGGGTTTTAGGAA-3'